The following is an entry in ClinVar:

NM_182493.3(MYLK3):c.1774G>A (p.Val592Met)

Gene: MYLK3 (myosin light chain kinase 3; minus strand). Cytogenetic location: 16q11.2.
Variant type: single nucleotide variant.
Coding change: c.1774G>A on transcript NM_182493.3 (MANE Select); coding-DNA position 1774, G replaced by A.
Protein change: p.Val592Met; replaces valine 592 with methionine.
Molecular consequence: missense variant.
Genome position (GRCh38, 1-based): chr16:46,727,376, C>T on the plus strand (G>A on the coding strand, the complement: MYLK3 is on the minus strand). VCF-style: chr16-46727376-C-T. GRCh37 (hg19) VCF-style: chr16-46761288-C-T.
Other names: c.751G>A, p.Val251Met (NM_001308301.1); c.1774G>A (NM_182493.2); short protein forms V251M, V592M.
Identifiers: ClinVar variation 1401994 (VCV001401994.9), dbSNP rs1207608535, ClinGen allele CA395790030.

ClinVar aggregate classification (germline): Uncertain significance. Review status: criteria provided, multiple submitters, no conflicts (2 of 4 stars). 2 submissions from 2 submitters: Uncertain significance (2). Last evaluated 2025-09-23.

Allele frequency attached by ClinVar (database versions not stated): gnomAD 0.00001 and 0.00002; gnomAD exomes 0.00001 and 0.00002; TOPMed 0.00003.
gnomAD v4.1: 36 of 1,605,458 alleles (0.0022%); highest among the groups gnomAD compares: East Asian, 0.04%; no homozygotes.

Submissions (2):

Labcorp Genetics (formerly Invitae), Labcorp
Classification: Uncertain significance. Last evaluated: 2025-09-23. Review status: criteria provided, single submitter. Criteria: Invitae Variant Classification Sherloc (09022015). Collection method: clinical testing. Allele origin: germline.
Comment: This sequence change replaces valine, which is neutral and non-polar, with methionine, which is neutral and non-polar, at codon 592 of the MYLK3 protein (p.Val592Met). This variant is present in population databases (no rsID available, gnomAD 0.006%). This variant has not been reported in the literature in individuals affected with MYLK3-related conditions. ClinVar contains an entry for this variant (Variation ID: 1401994). An algorithm developed to predict the effect of missense changes on protein structure and function (PolyPhen-2) suggests that this variant is likely to be disruptive. In summary, the available evidence is currently insufficient to determine the role of this variant in disease. Therefore, it has been classified as a Variant of Uncertain Significance.

Ambry Genetics
Classification: Uncertain significance. Last evaluated: 2025-04-11. Review status: criteria provided, single submitter. Criteria: Ambry Variant Classification Scheme 2023. Collection method: clinical testing. Allele origin: germline.